The following is an entry in ClinVar:

ClinVar aggregate classification (germline): Uncertain significance (1 of 4 stars; one submission).

Conditions:
Werner syndrome (WRN). Identifiers: Orphanet 902, MedGen C0043119, MONDO:0010196, OMIM 277700.

Allele frequency attached by ClinVar (database versions not stated): gnomAD exomes below 0.00001.
gnomAD v4.1: 1 of 1,614,040 alleles (0.000062%); highest among the groups gnomAD compares: Admixed American, 0.0017%; no homozygotes.

Submission:

Labcorp Genetics (formerly Invitae), Labcorp
Classification: Uncertain significance for Werner syndrome. Last evaluated: 2022-02-05. Review status: criteria provided, single submitter. Criteria: Invitae Variant Classification Sherloc (09022015). Collection method: clinical testing. Allele origin: germline.
Comment: This variant has not been reported in the literature in individuals affected with WRN-related conditions. ClinVar contains an entry for this variant (Variation ID: 655957). Algorithms developed to predict the effect of missense changes on protein structure and function are either unavailable or do not agree on the potential impact of this missense change (SIFT: "Not Available"; PolyPhen-2: "Probably Damaging"; Align-GVGD: "Not Available"). In summary, the available evidence is currently insufficient to determine the role of this variant in disease. Therefore, it has been classified as a Variant of Uncertain Significance. This variant is not present in population databases (gnomAD no frequency). This sequence change replaces histidine, which is basic and polar, with arginine, which is basic and polar, at codon 795 of the WRN protein (p.His795Arg).

NM_000553.6(WRN):c.2384A>G (p.His795Arg)

Gene: WRN (WRN RecQ like helicase; plus strand). Cytogenetic location: 8p12.
Variant type: single nucleotide variant.
Coding change: c.2384A>G on transcript NM_000553.6 (MANE Select); coding-DNA position 2384, A replaced by G.
Protein change: p.His795Arg; replaces histidine 795 with arginine.
Molecular consequence: missense variant.
Genome position (GRCh38, 1-based): chr8:31,116,464, A>G. VCF-style: chr8-31116464-A-G. GRCh37 (hg19) VCF-style: chr8-30973980-A-G.
Other names: short protein forms H795R.
Identifiers: ClinVar variation 655957 (VCV000655957.5), dbSNP rs1563360963, ClinGen allele CA370913753.